The following is an entry in ClinVar:

ClinVar aggregate classification (germline): Uncertain significance (1 of 4 stars; one submission).

Submission:

GeneDx
Classification: Uncertain significance. Last evaluated: 2024-11-05. Review status: criteria provided, single submitter. Criteria: GeneDx Variant Classification Process June 2021. Collection method: clinical testing. Allele origin: germline. Affected: yes.
Comment: Not observed at significant frequency in large population cohorts (gnomAD); In silico analysis supports that this missense variant has a deleterious effect on protein structure/function; Has not been previously published as pathogenic or benign to our knowledge

NM_016239.4(MYO15A):c.6692G>A (p.Gly2231Asp)

Gene: MYO15A (myosin XVA; plus strand). Cytogenetic location: 17p11.2.
Variant type: single nucleotide variant.
Coding change: c.6692G>A on transcript NM_016239.4 (MANE Select); coding-DNA position 6692, G replaced by A.
Protein change: p.Gly2231Asp; replaces glycine 2231 with aspartic acid.
Molecular consequence: missense variant.
Genome position (GRCh38, 1-based): chr17:18,148,496, G>A. VCF-style: chr17-18148496-G-A. GRCh37 (hg19) VCF-style: chr17-18051810-G-A.
Other names: short protein forms G2231D.
Identifiers: ClinVar variation 3897446 (VCV003897446.1).